The following is an entry in ClinVar:

ClinVar aggregate classification (germline): Likely benign (1 of 4 stars; one submission).

gnomAD v4.1: 5 of 1,612,904 alleles (0.00031%); highest among the groups gnomAD compares: Admixed American, 0.0083%; no homozygotes.

Submission:

Mayo Clinic Laboratories, Mayo Clinic
Classification: Likely benign. Last evaluated: 2025-08-12. Review status: criteria provided, single submitter. Criteria: ACMG Guidelines, 2015. Collection method: clinical testing. Allele origin: germline. Observed: 1 variant allele.
Comment: BS2, BP4, BP7

NM_012250.6(RRAS2):c.117T>C (p.Phe39=)

Gene: RRAS2 (RAS related 2; minus strand). Cytogenetic location: 11p15.2.
Variant type: single nucleotide variant.
Coding change: c.117T>C on transcript NM_012250.6 (MANE Select); coding-DNA position 117, T replaced by C.
Protein change: p.Phe39=; no amino-acid change (phenylalanine 39 retained).
Molecular consequence: synonymous variant. On other transcripts: 5 prime UTR variant (9).
Genome position (GRCh38, 1-based): chr11:14,295,847, A>G on the plus strand (T>C on the coding strand, the complement: RRAS2 is on the minus strand). VCF-style: chr11-14295847-A-G. GRCh37 (hg19) VCF-style: chr11-14317393-A-G.
Other names: p.Phe39=; c.-115T>C (NM_001102669.3, NM_001177315.2, NM_001440709.1 and 6 more transcripts); c.12T>C, p.Phe4= (NM_001177314.2); c.117T>C, p.Phe39= (NM_001440708.1).
Identifiers: ClinVar variation 4683599 (VCV004683599.1).
Genomic context (GRCh38, chr11:14,295,847, plus strand): 5'-GTCATCTATCACACACTGCTTTGTGTAAGAATCTTCAATGGTTGGATCATAATCCGTTAC[A>G]AAATAGGACTGCAAGAAAAGAAAAAACTTTATTTTAAAATTCATGGCCAGGCATGGTAGC-3'
Protein context (NP_036382.2, residues 29-49): ALTIQFIQSY[Phe39=]VTDYDPTIED